The following is an entry in ClinVar:

NM_203288.2(RP9):c.436C>T (p.Arg146Ter)

Gene: RP9 (RP9 pre-mRNA splicing factor; minus strand). Cytogenetic location: 7p14.3.
Variant type: single nucleotide variant.
Coding change: c.436C>T on transcript NM_203288.2 (MANE Select); coding-DNA position 436, C replaced by T.
Protein change: p.Arg146Ter; replaces arginine 146 with a stop codon.
Molecular consequence: nonsense.
Genome position (GRCh38, 1-based): chr7:33,096,524, G>A on the plus strand (C>T on the coding strand, the complement: RP9 is on the minus strand). VCF-style: chr7-33096524-G-A. GRCh37 (hg19) VCF-style: chr7-33136136-G-A.
Other names: short protein forms R146*.
Identifiers: ClinVar variation 2900897 (VCV002900897.3), dbSNP rs1426378506, ClinGen allele CA367181409.

ClinVar aggregate classification (germline): Uncertain significance (1 of 4 stars; one submission).

Allele frequency attached by ClinVar (database versions not stated): TOPMed 0.00002; gnomAD 0.00001; gnomAD exomes 0.00001.
gnomAD v4.1: 14 of 1,613,030 alleles (0.00087%); highest among the groups gnomAD compares: South Asian, 0.0022%; no homozygotes.

Submission:

Labcorp Genetics (formerly Invitae), Labcorp
Classification: Uncertain significance. Last evaluated: 2025-06-15. Review status: criteria provided, single submitter. Criteria: Invitae Variant Classification Sherloc (09022015). Collection method: clinical testing. Allele origin: germline.
Comment: This sequence change creates a premature translational stop signal (p.Arg146*) in the RP9 gene. While this is not anticipated to result in nonsense mediated decay, it is expected to disrupt the last 76 amino acid(s) of the RP9 protein. This variant is present in population databases (no rsID available, gnomAD 0.004%). This premature translational stop signal has been observed in individual(s) with retinitis pigmentosa (PMID: 33576794). ClinVar contains an entry for this variant (Variation ID: 2900897). Experimental studies and prediction algorithms are not available or were not evaluated, and the functional significance of this variant is currently unknown. Algorithms developed to predict the effect of sequence changes on RNA splicing suggest that this variant may disrupt the consensus splice site. In summary, the available evidence is currently insufficient to determine the role of this variant in disease. Therefore, it has been classified as a Variant of Uncertain Significance.

Literature cited by the submitters: PubMed 33576794.